The following is an entry in ClinVar:

NM_178857.6(RP1L1):c.5144C>T (p.Thr1715Met)

Gene: RP1L1 (RP1 like 1). Cytogenetic location: 8p23.1.
Variant type: single nucleotide variant.
Coding change: c.5144C>T on transcript NM_178857.6 (MANE Select); coding-DNA position 5144, C replaced by T.
Protein change: p.Thr1715Met; replaces threonine 1715 with methionine.
Molecular consequence: missense variant.
Genome position (GRCh38, 1-based): chr8:10,608,954, G>A on the plus strand (C>T on the coding strand, the complement: RP1L1 is on the minus strand). VCF-style: chr8-10608954-G-A. GRCh37 (hg19) VCF-style: chr8-10466464-G-A.
Other names: short protein forms T1715M.
Identifiers: ClinVar variation 2342115 (VCV002342115.4), dbSNP rs370477638, ClinGen allele CA4623753.

ClinVar aggregate classification (germline): Conflicting classifications of pathogenicity. Review status: criteria provided, conflicting classifications (1 of 4 stars). 3 submissions from 3 submitters: Uncertain significance (2); Likely benign (1). Last evaluated 2026-08-06.

Conditions:
RP1L1-related disorder. Also called: RP1L1-related condition.
Inborn genetic diseases. Identifiers: MedGen C0950123, MeSH D030342.

Allele frequency attached by ClinVar (database versions not stated): ESP Exome Variant Server 0.00024.
gnomAD v4.1: 211 of 1,613,712 alleles (0.013%); highest among the groups gnomAD compares: African/African-American, 0.025%; 1 homozygote.

Submissions (3):

PreventionGenetics, part of Exact Sciences
Classification: Uncertain significance for RP1L1-related condition. Last evaluated: 2026-08-06. Review status: criteria provided, single submitter. Criteria: ACMG Guidelines, 2015. Collection method: clinical testing. Allele origin: germline.
Comment: The RP1L1 c.5144C>T variant is predicted to result in the amino acid substitution p.Thr1715Met. To our knowledge, this variant has not been reported in the literature. This variant is present in 0.033% of alleles in individuals of African descent in gnomAD. At this time, the clinical significance of this variant is uncertain due to the absence of conclusive functional and genetic evidence.

Blueprint Genetics
Classification: Uncertain significance. Last evaluated: 2023-03-29. Review status: criteria provided, single submitter. Criteria: ACMG Guidelines, 2015. Collection method: clinical testing. Allele origin: germline.

Ambry Genetics
Classification: Likely benign for Inborn genetic diseases. Last evaluated: 2022-12-19. Review status: criteria provided, single submitter. Criteria: Ambry Variant Classification Scheme 2023. Collection method: clinical testing. Allele origin: germline.